The following is an entry in ClinVar:

NM_002427.4(MMP13):c.903G>C (p.Met301Ile)

Gene: MMP13 (matrix metallopeptidase 13; minus strand). Cytogenetic location: 11q22.2.
Variant type: single nucleotide variant.
Coding change: c.903G>C on transcript NM_002427.4 (MANE Select); coding-DNA position 903, G replaced by C.
Protein change: p.Met301Ile; replaces methionine 301 with isoleucine.
Molecular consequence: missense variant.
Genome position (GRCh38, 1-based): chr11:102,950,124, C>G on the plus strand (G>C on the coding strand, the complement: MMP13 is on the minus strand). VCF-style: chr11-102950124-C-G. GRCh37 (hg19) VCF-style: chr11-102820853-C-G.
Other names: short protein forms M301I.
Identifiers: ClinVar variation 4691409 (VCV004691409.1).

ClinVar aggregate classification (germline): Uncertain significance (1 of 4 stars; one submission).

gnomAD v4.1: 10 of 1,609,504 alleles (0.00062%); highest among the groups gnomAD compares: South Asian, 0.011%; no homozygotes.

Submission:

Labcorp Genetics (formerly Invitae), Labcorp
Classification: Uncertain significance. Last evaluated: 2025-07-21. Review status: criteria provided, single submitter. Criteria: Invitae Variant Classification Sherloc (09022015). Collection method: clinical testing. Allele origin: germline.
Comment: This sequence change replaces methionine, which is neutral and non-polar, with isoleucine, which is neutral and non-polar, at codon 301 of the MMP13 protein (p.Met301Ile). This variant is present in population databases (no rsID available, gnomAD 0.003%). This variant has not been reported in the literature in individuals affected with MMP13-related conditions. Invitae Evidence Modeling of protein sequence and biophysical properties (such as structural, functional, and spatial information, amino acid conservation, physicochemical variation, residue mobility, and thermodynamic stability) indicates that this missense variant is not expected to disrupt MMP13 protein function with a negative predictive value of 80%. In summary, the available evidence is currently insufficient to determine the role of this variant in disease. Therefore, it has been classified as a Variant of Uncertain Significance.